The following is an entry in ClinVar:

ClinVar aggregate classification (germline): Conflicting classifications of pathogenicity. Review status: criteria provided, conflicting classifications (1 of 4 stars). 6 submissions from 4 submitters: Uncertain significance (4); Likely benign (1). 1 of the submissions does not count toward it. Last evaluated 2025-08-25.

Conditions:
F5-related disorder. Also called: F5-related condition.
Congenital factor V deficiency. Also called: Hereditary factor V deficiency disease; LABILE FACTOR DEFICIENCY; PARAHEMOPHILIA; OWREN PARAHEMOPHILIA. Identifiers: Orphanet 326, MedGen C0015499, MONDO:0009210, OMIM 227400.
Factor V deficiency. Also called: Reduced coagulation factor V activity. Identifiers: Orphanet 326, MedGen C4317320, MONDO:0020586, HP:0003225.
Thrombophilia due to thrombin defect (THPH1). Also called: Thrombosis susceptibility; THROMBOPHILIA DUE TO FACTOR 2 DEFECT; Prothrombin-Related Thrombophilia (Factor II); Prothrombin Thrombophilia. Identifiers: MedGen C3160733, MONDO:0008559, OMIM 188050. Disease mechanism: gain of function, loss of function.
Budd-Chiari syndrome (BDCHS). Also called: Hepatic vein obstruction. Identifiers: Orphanet 131, MedGen C0856761, MONDO:0010947, OMIM 600880, HP:0002639.

Allele frequency attached by ClinVar (database versions not stated): gnomAD exomes 0.00005 and 0.00014; ExAC 0.00015; ESP Exome Variant Server 0.00038; gnomAD 0.00043 and 0.00048; TOPMed 0.00048.
gnomAD v4.1: 139 of 1,613,964 alleles (0.0086%); highest among the groups gnomAD compares: African/African-American, 0.14%; no homozygotes.

Submissions (6):

Labcorp Genetics (formerly Invitae), Labcorp
Classification: Likely benign for Congenital factor V deficiency. Last evaluated: 2025-08-25. Review status: criteria provided, single submitter. Criteria: Invitae Variant Classification Sherloc (09022015). Collection method: clinical testing. Allele origin: germline.

Revvity Omics, Revvity
Classification: Uncertain significance. Last evaluated: 2024-08-09. Review status: criteria provided, single submitter. Criteria: ACMG Guidelines, 2015. Collection method: clinical testing. Allele origin: germline.

Illumina Laboratory Services, Illumina
Classification: Uncertain significance for Budd-Chiari syndrome. Last evaluated: 2018-01-13. Review status: criteria provided, single submitter. Criteria: ICSL Variant Classification Criteria 13 December 2019. Collection method: clinical testing. Allele origin: germline.

Illumina Laboratory Services, Illumina
Classification: Uncertain significance for Congenital factor V deficiency. Last evaluated: 2018-01-13. Review status: criteria provided, single submitter. Criteria: ICSL Variant Classification Criteria 13 December 2019. Collection method: clinical testing. Allele origin: germline.

Illumina Laboratory Services, Illumina
Classification: Uncertain significance for Venous thrombosis. Last evaluated: 2018-01-13. Review status: criteria provided, single submitter. Criteria: ICSL Variant Classification Criteria 13 December 2019. Collection method: clinical testing. Allele origin: germline.

PreventionGenetics, part of Exact Sciences
Classification: Likely benign for F5-related condition. Last evaluated: 2020-01-06. Review status: no assertion criteria provided. Collection method: clinical testing. Allele origin: germline. Not counted in ClinVar's aggregate classification.
Comment: This variant is classified as likely benign based on ACMG/AMP sequence variant interpretation guidelines (Richards et al. 2015 PMID: 25741868, with internal and published modifications).

NM_000130.5(F5):c.885C>T (p.Thr295=)

Gene: F5 (coagulation factor V; minus strand). Cytogenetic location: 1q24.2.
Variant type: single nucleotide variant.
Coding change: c.885C>T on transcript NM_000130.5 (MANE Select); coding-DNA position 885, C replaced by T.
Protein change: p.Thr295=; no amino-acid change (threonine 295 retained).
Molecular consequence: synonymous variant.
Genome position (GRCh38, 1-based): chr1:169,556,713, G>A on the plus strand (C>T on the coding strand, the complement: F5 is on the minus strand). VCF-style: chr1-169556713-G-A. GRCh37 (hg19) VCF-style: chr1-169525951-G-A.
Identifiers: ClinVar variation 293635 (VCV000293635.15), dbSNP rs148752831, ClinGen allele CA1234491.